The following is an entry in ClinVar:

NM_015047.3(EMC1):c.1944+6G>A

Genes: EMC1 (ER membrane protein complex subunit 1; minus strand), EMC1-AS1 (EMC1 antisense RNA 1; plus strand). Cytogenetic location: 1p36.13.
Variant type: single nucleotide variant.
Coding change: c.1944+6G>A on transcript NM_015047.3 (MANE Select); 6 bases into the intron after coding-DNA position 1944, G replaced by A.
Molecular consequence: intron variant.
Genome position (GRCh38, 1-based): chr1:19,231,255, C>T on the plus strand (G>A on the coding strand, the complement: EMC1 is on the minus strand). VCF-style: chr1-19231255-C-T. GRCh37 (hg19) VCF-style: chr1-19557749-C-T.
Other names: c.1878+6G>A (NM_001271429.2); c.1941+6G>A (NM_001271427.2, NM_001271428.2); c.1950+6G>A (NM_001375821.1); c.1953+6G>A (NM_001375820.1).
Identifiers: ClinVar variation 1487822 (VCV001487822.6), dbSNP rs2151947800, ClinGen allele CA2573130804.
Genomic context (GRCh38, chr1:19,231,255, plus strand): 5'-TGTTTGACCACCTGGCCCCAAACCGGACTCCGCTAGCATGTTCTCCATCCCCTCTGAAGA[C>T]AGTACCTTGTATTCATCATCTATCAACAGCAACACCTTGGCGTAGTCTTGATCCATGACT-3'

ClinVar aggregate classification (germline): Uncertain significance (1 of 4 stars; one submission).

gnomAD v4.1: 2 of 1,589,632 alleles (0.00013%); highest among the groups gnomAD compares: Non-Finnish European, 0.00017%; no homozygotes.

Submission:

Labcorp Genetics (formerly Invitae), Labcorp
Classification: Uncertain significance. Last evaluated: 2021-08-11. Review status: criteria provided, single submitter. Criteria: Invitae Variant Classification Sherloc (09022015). Collection method: clinical testing. Allele origin: germline.
Comment: In summary, the available evidence is currently insufficient to determine the role of this variant in disease. Therefore, it has been classified as a Variant of Uncertain Significance. Variants that disrupt the consensus splice site are a relatively common cause of aberrant splicing (PMID: 17576681, 9536098). Algorithms developed to predict the effect of sequence changes on RNA splicing suggest that this variant is not likely to affect RNA splicing. This variant has not been reported in the literature in individuals affected with EMC1-related conditions. This variant is not present in population databases (ExAC no frequency). This sequence change falls in intron 16 of the EMC1 gene. It does not directly change the encoded amino acid sequence of the EMC1 protein. It affects a nucleotide within the consensus splice site of the intron.

Literature cited by the submitters: PubMed 17576681; PubMed 9536098.